The following is an entry in ClinVar:

NM_005033.3(EXOSC9):c.259G>A (p.Ala87Thr)

Gene: EXOSC9 (exosome component 9; plus strand). Cytogenetic location: 4q27.
Variant type: single nucleotide variant.
Coding change: c.259G>A on transcript NM_005033.3 (MANE Select); coding-DNA position 259, G replaced by A.
Protein change: p.Ala87Thr; replaces alanine 87 with threonine.
Molecular consequence: missense variant.
Genome position (GRCh38, 1-based): chr4:121,802,771, G>A. VCF-style: chr4-121802771-G-A. GRCh37 (hg19) VCF-style: chr4-122723926-G-A.
Other names: c.259G>A, p.Ala87Thr (NM_001034194.2); short protein forms A87T.
Identifiers: ClinVar variation 1480085 (VCV001480085.4), dbSNP rs201639791, ClinGen allele CA104728590.

ClinVar aggregate classification (germline): Uncertain significance (1 of 4 stars; one submission).

Allele frequency attached by ClinVar (database versions not stated): TOPMed 0.00001; ESP Exome Variant Server 0.00008.
gnomAD v4.1: 10 of 1,613,992 alleles (0.00062%); highest among the groups gnomAD compares: Middle Eastern, 0.016%; no homozygotes.

Submission:

Labcorp Genetics (formerly Invitae), Labcorp
Classification: Uncertain significance. Last evaluated: 2023-06-22. Review status: criteria provided, single submitter. Criteria: Invitae Variant Classification Sherloc (09022015). Collection method: clinical testing. Allele origin: germline.
Comment: This sequence change replaces alanine, which is neutral and non-polar, with threonine, which is neutral and polar, at codon 87 of the EXOSC9 protein (p.Ala87Thr). This variant is present in population databases (rs201639791, gnomAD 0.003%). This variant has not been reported in the literature in individuals affected with EXOSC9-related conditions. ClinVar contains an entry for this variant (Variation ID: 1480085). Advanced modeling of protein sequence and biophysical properties (such as structural, functional, and spatial information, amino acid conservation, physicochemical variation, residue mobility, and thermodynamic stability) performed at Invitae indicates that this missense variant is not expected to disrupt EXOSC9 protein function. In summary, the available evidence is currently insufficient to determine the role of this variant in disease. Therefore, it has been classified as a Variant of Uncertain Significance.